The following is an entry in ClinVar:

ClinVar aggregate classification (germline): Conflicting classifications of pathogenicity. Review status: criteria provided, conflicting classifications (1 of 4 stars). 5 submissions from 5 submitters: Uncertain significance (4); Likely benign (1). Last evaluated 2026-04-17.

Conditions:
Hereditary cancer-predisposing syndrome. Also called: Neoplastic Syndromes, Hereditary; Hereditary Cancer Syndrome; Tumor predisposition; Hereditary neoplastic syndrome. Identifiers: Orphanet 140162, MedGen C0027672, MeSH D009386, MONDO:0015356.
Hereditary diffuse gastric adenocarcinoma (HDGC). Also called: DIFFUSE GASTRIC AND LOBULAR BREAST CANCER SYNDROME. Identifiers: Orphanet 26106, MedGen C1708349, MONDO:0007648, OMIM 137215.

Allele frequency attached by ClinVar (database versions not stated): gnomAD exomes 0.00001; TOPMed below 0.00001; ExAC 0.00001.
gnomAD v4.1: 7 of 1,597,650 alleles (0.00044%); highest among the groups gnomAD compares: Non-Finnish European, 0.00051%; no homozygotes.

Submissions (5):

Ambry Genetics
Classification: Uncertain significance for Hereditary cancer-predisposing syndrome. Last evaluated: 2026-04-17. Review status: criteria provided, single submitter. Criteria: Ambry Variant Classification Scheme 2023. Collection method: clinical testing. Allele origin: germline.
Comment: The c.2164+3A>G intronic variant results from an A to G substitution 3 nucleotides after coding exon 13 in the CDH1 gene. This nucleotide position is well conserved in available vertebrate species. In silico splice site analysis for this alteration is inconclusive. RNA studies have demonstrated that this alteration results in an incomplete splice defect; the clinical impact of this abnormal splicing is unknown at this time (Ambry internal data). Based on the available evidence, the clinical significance of this variant remains unclear.

Labcorp Genetics (formerly Invitae), Labcorp
Classification: Uncertain significance for Hereditary diffuse gastric adenocarcinoma. Last evaluated: 2026-01-28. Review status: criteria provided, single submitter. Criteria: Invitae Variant Classification Sherloc (09022015). Collection method: clinical testing. Allele origin: germline.
Comment: This sequence change falls in intron 13 of the CDH1 gene. It does not directly change the encoded amino acid sequence of the CDH1 protein. It affects a nucleotide within the consensus splice site. This variant is present in population databases (rs750651204, gnomAD 0.005%). This variant has been observed in individual(s) with breast cancer (PMID: 25186627). ClinVar contains an entry for this variant (Variation ID: 216591). Variants that disrupt the consensus splice site are a relatively common cause of aberrant splicing (PMID: 17576681, 9536098). Studies have shown that this variant is associated with inconclusive levels of altered splicing (internal data). In summary, the available evidence is currently insufficient to determine the role of this variant in disease. Therefore, it has been classified as a Variant of Uncertain Significance.

Color Diagnostics, LLC DBA Color Health
Classification: Uncertain significance for Hereditary cancer-predisposing syndrome. Last evaluated: 2025-11-11. Review status: criteria provided, single submitter. Criteria: ACMG Guidelines, 2015. Collection method: clinical testing. Allele origin: germline.
Comment: This variant causes a A>G nucleotide substitution at the +3 position of intron 13 of the CDH1 gene. Splice site prediction tool indicates that this variant may weaken the intron 13 splice donor site (PMID: 30661751). To our knowledge, functional studies have not been reported for this variant. This variant has been reported in an individual affected with breast cancer (PMID: 25186627). This variant has been identified in 7/1597650 chromosomes in the general population by the Genome Aggregation Database (gnomAD). The available evidence is insufficient to determine the role of this variant in disease conclusively. Therefore, this variant is classified as a Variant of Uncertain Significance.

Women's Health and Genetics/Laboratory Corporation of America, LabCorp
Classification: Uncertain significance. Last evaluated: 2023-08-21. Review status: criteria provided, single submitter. Criteria: LabCorp Variant Classification Summary - May 2015. Collection method: clinical testing. Allele origin: germline.
Comment: Variant summary: CDH1 c.2164+3A>G alters a conserved nucleotide located close to a canonical splice site and therefore could affect mRNA splicing, leading to a significantly altered protein sequence. Several computational tools predict a significant impact on normal splicing: One predicts the variant abolishes a 5' splicing donor site, and two predict the variant significantly weakens a 5' donor site. However, these predictions have yet to be confirmed by functional studies. The variant allele was found at a frequency of 8.1e-06 in 245406 control chromosomes. The available data on variant occurrences in the general population are insufficient to allow any conclusion about variant significance. c.2164+3A>G has been reported in the literature in at least one individual with breast cancer (Tung_2015). However, this report does not provide unequivocal conclusions about association of the variant with Hereditary Diffuse Gastric Cancer. To our knowledge, no experimental evidence demonstrating an impact on protein function has been reported. The following publication has been ascertained in the context of this evaluation (PMID: 25186627). Three submitters have cited clinical-significance assessments for this variant to ClinVar after 2014. Two classified the variant as uncertain significance, and one classified the variant as likely benign. Based on the evidence outlined above, the variant was classified as uncertain significance.

GeneDx
Classification: Likely benign. Last evaluated: 2017-06-05. Review status: criteria provided, single submitter. Criteria: GeneDx Variant Classification (06012015). Collection method: clinical testing. Allele origin: germline. Affected: yes.
Comment: This variant is considered likely benign or benign based on one or more of the following criteria: it is a conservative change, it occurs at a poorly conserved position in the protein, it is predicted to be benign by multiple in silico algorithms, and/or has population frequency not consistent with disease.

Literature cited by the submitters: PubMed 25186627 (cited by 4 submitters); PubMed 17576681 (cited by Labcorp Genetics (formerly Invitae), Labcorp); PubMed 9536098 (cited by Labcorp Genetics (formerly Invitae), Labcorp); PubMed 30661751 (cited by Color Diagnostics, LLC DBA Color Health).

NM_004360.5(CDH1):c.2164+3A>G

Gene: CDH1 (cadherin 1; plus strand). Cytogenetic location: 16q22.1.
Variant type: single nucleotide variant.
Coding change: c.2164+3A>G on transcript NM_004360.5 (MANE Select); 3 bases into the intron after coding-DNA position 2164, A replaced by G.
Molecular consequence: intron variant.
Genome position (GRCh38, 1-based): chr16:68,823,629, A>G. VCF-style: chr16-68823629-A-G. GRCh37 (hg19) VCF-style: chr16-68857532-A-G.
Other names: c.616+3A>G (NM_001317185.2); c.199+3A>G (NM_001317186.2); c.1981+3A>G (NM_001317184.2); c.2164+3A>G (LRG_301t1, NM_004360.4).
Identifiers: ClinVar variation 216591 (VCV000216591.23), dbSNP rs750651204, ClinGen allele CA337559.
Genomic context (GRCh38, chr16:68,823,629, plus strand): 5'-GCAGGATTGCAAATTCCTGCCATTCTGGGGATTCTTGGAGGAATTCTTGCTTTGCTAAGT[A>G]AGTCCAGCTGGCAAGTGACTCAGCCTTTGACTTAAAAAAATGGAGGAGGTTTATTTCCTG-3'